The following is an entry in ClinVar:

NC_000001.11:g.236468231_236468234del

Gene: EDARADD (EDAR associated via death domain; plus strand). Cytogenetic location: 1q43.
Variant type: Deletion.
Genome position: GRCh38 VCF-style: chr1-236468228-TAGGG-T. GRCh37 (hg19) VCF-style: chr1-236631528-TAGGG-T.
Identifiers: ClinVar variation 2939815 (VCV002939815.3), dbSNP rs2526890961, ClinGen allele CA2740092626.
Genomic context (GRCh38, chr1:236,468,228, plus strand): 5'-ATTGATAATATCTCCATTCACATTTGGATATGATTTTAATGAAGGTTGCTTTTTGGTTTT[TAGGG>T]AGAAGAAAATGGCTTTCCAGATAGCACTGGAGATCCTCTTCCAGGTAAATGATTGATTCT-3'

ClinVar aggregate classification (germline): Pathogenic (1 of 4 stars; one submission).

Conditions:
Ectodermal dysplasia 11A, hypohidrotic/hair/tooth type, autosomal dominant. Identifiers: Orphanet 1810, Orphanet 238468, MedGen C3541517, MONDO:0013982, OMIM 614940.
Ectodermal dysplasia 11B, hypohidrotic/hair/tooth type, autosomal recessive. Identifiers: Orphanet 238468, Orphanet 248, MedGen C3539920, MONDO:0013983, OMIM 614941.

Submission:

Labcorp Genetics (formerly Invitae), Labcorp
Classification: Pathogenic for Ectodermal dysplasia 11B, hypohidrotic/hair/tooth type, autosomal recessive; Ectodermal dysplasia 11A, hypohidrotic/hair/tooth type, autosomal dominant. Last evaluated: 2023-10-10. Review status: criteria provided, single submitter. Criteria: Invitae Variant Classification Sherloc (09022015). Collection method: clinical testing. Allele origin: germline.
Comment: This sequence change creates a premature translational stop signal (p.Gly74Lysfs*38) in the EDARADD gene. While this is not anticipated to result in nonsense mediated decay, it is expected to disrupt the last 142 amino acid(s) of the EDARADD protein. This variant is not present in population databases (gnomAD no frequency). This variant has not been reported in the literature in individuals affected with EDARADD-related conditions. Algorithms developed to predict the effect of sequence changes on RNA splicing suggest that this variant may disrupt the consensus splice site. This variant disrupts a region of the EDARADD protein in which other variant(s) (p.Trp139*) have been determined to be pathogenic (Invitae). This suggests that this is a clinically significant region of the protein, and that variants that disrupt it are likely to be disease-causing. For these reasons, this variant has been classified as Pathogenic.